The following is an entry in ClinVar:

ClinVar aggregate classification (germline): Uncertain significance. Review status: criteria provided, multiple submitters, no conflicts (2 of 4 stars). 4 submissions from 4 submitters: Uncertain significance (4). Last evaluated 2024-10-03.

Conditions:
Familial cancer of breast. Also called: Hereditary breast cancer; BREAST CANCER, FAMILIAL; hereditary breast carcinoma. Identifiers: Orphanet 227535, MedGen C0346153, MONDO:0016419, OMIM 114480. Disease mechanism: loss of function.
Hereditary cancer-predisposing syndrome. Also called: Hereditary neoplastic syndrome; Tumor predisposition; Neoplastic Syndromes, Hereditary; Hereditary Cancer Syndrome. Identifiers: Orphanet 140162, MedGen C0027672, MeSH D009386, MONDO:0015356.

Submissions (4):

Labcorp Genetics (formerly Invitae), Labcorp
Classification: Uncertain significance for Familial cancer of breast. Last evaluated: 2024-10-03. Review status: criteria provided, single submitter. Criteria: Invitae Variant Classification Sherloc (09022015). Collection method: clinical testing. Allele origin: germline.
Comment: This sequence change replaces leucine, which is neutral and non-polar, with phenylalanine, which is neutral and non-polar, at codon 453 of the PALB2 protein (p.Leu453Phe). This variant is not present in population databases (gnomAD no frequency). This variant has not been reported in the literature in individuals affected with PALB2-related conditions. ClinVar contains an entry for this variant (Variation ID: 419165). Invitae Evidence Modeling of protein sequence and biophysical properties (such as structural, functional, and spatial information, amino acid conservation, physicochemical variation, residue mobility, and thermodynamic stability) indicates that this missense variant is not expected to disrupt PALB2 protein function with a negative predictive value of 80%. In summary, the available evidence is currently insufficient to determine the role of this variant in disease. Therefore, it has been classified as a Variant of Uncertain Significance.

Color Diagnostics, LLC DBA Color Health
Classification: Uncertain significance for Hereditary cancer-predisposing syndrome. Last evaluated: 2024-07-29. Review status: criteria provided, single submitter. Criteria: ACMG Guidelines, 2015. Collection method: clinical testing. Allele origin: germline.
Comment: This missense variant replaces leucine with phenylalanine at codon 453 of the PALB2 protein. Computational prediction suggests that this variant may not impact protein structure and function. To our knowledge, functional studies have not been reported for this variant. This variant has not been reported in individuals affected with PALB2-related disorders in the literature. This variant has not been identified in the general population by the Genome Aggregation Database (gnomAD). The available evidence is insufficient to determine the role of this variant in disease conclusively. Therefore, this variant is classified as a Variant of Uncertain Significance.

Ambry Genetics
Classification: Uncertain significance for Hereditary cancer-predisposing syndrome. Last evaluated: 2020-04-15. Review status: criteria provided, single submitter. Criteria: Ambry Variant Classification Scheme 2023. Collection method: clinical testing. Allele origin: germline.
Comment: The p.L453F variant (also known as c.1357C>T), located in coding exon 4 of the PALB2 gene, results from a C to T substitution at nucleotide position 1357. The leucine at codon 453 is replaced by phenylalanine, an amino acid with highly similar properties. This amino acid position is not well conserved in available vertebrate species. In addition, this alteration is predicted to be tolerated by in silico analysis. Since supporting evidence is limited at this time, the clinical significance of this alteration remains unclear.

GeneDx
Classification: Uncertain significance. Last evaluated: 2015-06-01. Review status: criteria provided, single submitter. Criteria: GeneDx Variant Classification (06012015). Collection method: clinical testing. Allele origin: germline. Affected: yes.
Comment: This variant is denoted PALB2 c.1357C>T at the cDNA level, p.Leu453Phe (L453F) at the protein level, and results in the change of a Leucine to a Phenylalanine (CTT>TTT). This variant has not, to our knowledge, been published in the literature as pathogenic or benign. PALB2 Leu453Phe was not observed in approximately 6,500 individuals of European and African American ancestry in the NHLBI Exome Sequencing Project, indicating it is not a common benign variant in these populations. Since Leucine and Phenylalanine share similar properties, this is considered a conservative amino acid substitution. PALB2 Leu453Phe occurs at a position that is not conserved and is located in the DNA-binding domain (UniProt). In silico analyses predict that this variant is unlikely to alter protein structure or function. Based on currently available information, it is unclear whether PALB2 Leu453Phe is pathogenic or benign. We consider it to be a variant of uncertain significance.

NM_024675.4(PALB2):c.1357C>T (p.Leu453Phe)

Gene: PALB2 (partner and localizer of BRCA2; minus strand). Cytogenetic location: 16p12.2.
Variant type: single nucleotide variant.
Coding change: c.1357C>T on transcript NM_024675.4 (MANE Select); coding-DNA position 1357, C replaced by T.
Protein change: p.Leu453Phe; replaces leucine 453 with phenylalanine.
Molecular consequence: missense variant.
Genome position (GRCh38, 1-based): chr16:23,635,189, G>A on the plus strand (C>T on the coding strand, the complement: PALB2 is on the minus strand). VCF-style: chr16-23635189-G-A. GRCh37 (hg19) VCF-style: chr16-23646510-G-A.
Other names: short protein forms L453F.
Identifiers: ClinVar variation 419165 (VCV000419165.16), dbSNP rs746328068, ClinGen allele CA16620147.